The following is an entry in ClinVar:

NM_007289.4(MME):c.47C>A (p.Pro16Gln)

Gene: MME (membrane metalloendopeptidase; plus strand). Cytogenetic location: 3q25.2.
Variant type: single nucleotide variant.
Coding change: c.47C>A on transcript NM_007289.4 (MANE Select); coding-DNA position 47, C replaced by A.
Protein change: p.Pro16Gln; replaces proline 16 with glutamine.
Molecular consequence: missense variant.
Genome position (GRCh38, 1-based): chr3:155,084,214, C>A. VCF-style: chr3-155084214-C-A. GRCh37 (hg19) VCF-style: chr3-154802003-C-A.
Other names: c.47C>A, p.Pro16Gln (NM_007287.4, NM_007288.3, NM_000902.5 and 3 more transcripts); short protein forms P16Q.
Identifiers: ClinVar variation 1305169 (VCV001305169.8), dbSNP rs199935778, ClinGen allele CA2674995.

ClinVar aggregate classification (germline): Uncertain significance. Review status: criteria provided, multiple submitters, no conflicts (2 of 4 stars). 4 submissions from 4 submitters: Uncertain significance (4). Last evaluated 2026-05-10.

Conditions:
Charcot-Marie-Tooth disease axonal type 2T. Identifiers: Orphanet 443950, MedGen C4015635, OMIM 617017, MONDO:0014866.
Spinocerebellar ataxia 43 (SCA43). Identifiers: Orphanet 497764, MedGen C4310763, MONDO:0014867, OMIM 617018.
Inborn genetic diseases. Identifiers: MedGen C0950123, MeSH D030342.

Allele frequency attached by ClinVar (database versions not stated): gnomAD 0.00013; ExAC 0.00002; gnomAD exomes 0.00004; TOPMed 0.00012.
gnomAD v4.1: 71 of 1,613,936 alleles (0.0044%); highest among the groups gnomAD compares: Admixed American, 0.022%; no homozygotes.

Submissions (4):

Ambry Genetics
Classification: Uncertain significance for Inborn genetic diseases. Last evaluated: 2026-05-10. Review status: criteria provided, single submitter. Criteria: Ambry Variant Classification Scheme 2023. Collection method: clinical testing. Allele origin: germline.

Labcorp Genetics (formerly Invitae), Labcorp
Classification: Uncertain significance. Last evaluated: 2023-08-04. Review status: criteria provided, single submitter. Criteria: Invitae Variant Classification Sherloc (09022015). Collection method: clinical testing. Allele origin: germline.
Comment: In summary, the available evidence is currently insufficient to determine the role of this variant in disease. Therefore, it has been classified as a Variant of Uncertain Significance. An algorithm developed to predict the effect of missense changes on protein structure and function (PolyPhen-2) suggests that this variant is likely to be disruptive. ClinVar contains an entry for this variant (Variation ID: 1305169). This variant has not been reported in the literature in individuals affected with MME-related conditions. This variant is present in population databases (rs199935778, gnomAD 0.009%). This sequence change replaces proline, which is neutral and non-polar, with glutamine, which is neutral and polar, at codon 16 of the MME protein (p.Pro16Gln).

Department of Pathology and Laboratory Medicine, Sinai Health System
Classification: Uncertain significance for Charcot-Marie-Tooth disease axonal type 2T; Spinocerebellar ataxia 43. Last evaluated: 2021-12-09. Review status: criteria provided, single submitter. Criteria: ACMG Guidelines, 2015. Collection method: research. Allele origin: germline.

GeneDx
Classification: Uncertain significance. Last evaluated: 2019-04-12. Review status: criteria provided, single submitter. Criteria: GeneDx Variant Classification Process June 2021. Collection method: clinical testing. Allele origin: germline. Affected: yes.
Comment: In silico analysis, which includes protein predictors and evolutionary conservation, supports a deleterious effect; Has not been previously published as pathogenic or benign to our knowledge